The following is an entry in ClinVar:

ClinVar aggregate classification (germline): Uncertain significance (3 of 4 stars; one submission).

Conditions:
Open-angle glaucoma. Identifiers: MedGen C0017612, MONDO:0005338, HP:0012108.

gnomAD v4.1: 1 of 1,614,174 alleles (0.000062%); highest among the groups gnomAD compares: Admixed American, 0.0017%; no homozygotes.

Submission:

ClinGen Glaucoma Variant Curation Expert Panel
Classification: Uncertain significance for Open-angle glaucoma. Last evaluated: 2025-12-03. Review status: reviewed by expert panel. Criteria: ClinGen Glaucoma ACMG Specifications V2.0.0 Approved. Collection method: curation. Allele origin: germline. Inheritance: Autosomal dominant inheritance.
Comment: The c.366C>A variant in MYOC is a synonymous variant (p.Gly122=). The highest minor allele frequency of this variant was in the Admixed American genetic ancestry group of gnomAD (v4.1.0) = 0.00001666 (1 allele out of 60,022), which met the ≤ 0.0001 threshold set for PM2_Supporting in a genetic ancestry group of at least 10,000 alleles. The SpliceAI score = 0, which met the ≤ 0.1 threshold for BP4, suggesting that the variant does not impact MYOC function. This synonymous variant meets BP4, so BP7 is met. There was no functional evidence predicting a damaging or benign impact of this variant on MYOC function. Only 1 proband with primary open angle glaucoma had been reported (PMID: 12872267), not meeting the ≥ 2 probands threshold required to meet PS4_Supporting. In summary, this variant met the criteria to receive a score of -1 and to be classified as a variant of uncertain significance (uncertain significance classification range -1 to 5, adapted from PMID: 32720330) for primary open angle glaucoma based on the ACMG/AMP criteria met, as specified by the ClinGen Glaucoma VCEP (v2.0.0, 5 Dec 2024): BP4. BP7, PM2_Supporting

NM_000261.2(MYOC):c.366C>A (p.Gly122=)

Gene: MYOC (myocilin; minus strand). Cytogenetic location: 1q24.3.
Variant type: single nucleotide variant.
Coding change: c.366C>A on transcript NM_000261.2 (MANE Select); coding-DNA position 366, C replaced by A.
Protein change: p.Gly122=; no amino-acid change (glycine 122 retained).
Molecular consequence: synonymous variant.
Genome position (GRCh38, 1-based): chr1:171,652,246, G>T on the plus strand (C>A on the coding strand, the complement: MYOC is on the minus strand). VCF-style: chr1-171652246-G-T. GRCh37 (hg19) VCF-style: chr1-171621386-G-T.
Other names: NM_000261.2:c.366C>A.
Identifiers: ClinVar variation 2442290 (VCV002442290.2), dbSNP rs145354114, ClinGen allele CA421939567.
Genomic context (GRCh38, chr1:171,652,246, plus strand): 5'-GTAGGCAGTCTCCAACTCTCTGGTTTGGGTTTCCAGCTGGTCCCGCTCCCGCCTCAGGGT[G>T]CCCAGCTCCCTCTGCAGCCCCTCCTGGGTCTCCTGGGGCCTGGCAGCCTGGTCCAAGGTC-3'
Protein context (NP_000252.1, residues 112-132): ETQEGLQREL[Gly122=]TLRRERDQLE